The following is an entry in ClinVar:

NM_003560.4(PLA2G6):c.1743-184C>T

Gene: PLA2G6 (phospholipase A2 group VI; minus strand). Cytogenetic location: 22q13.1.
Variant type: single nucleotide variant.
Coding change: c.1743-184C>T on transcript NM_003560.4 (MANE Select); 184 bases into the intron before coding-DNA position 1743, C replaced by T.
Molecular consequence: intron variant.
Genome position (GRCh38, 1-based): chr22:38,116,395, G>A on the plus strand (C>T on the coding strand, the complement: PLA2G6 is on the minus strand). VCF-style: chr22-38116395-G-A. GRCh37 (hg19) VCF-style: chr22-38512402-G-A.
Other names: c.1065-184C>T (NM_001349868.2); c.1581-184C>T (NM_001349866.2, NM_001199562.3, NM_001349865.2 and 1 more transcripts); c.1047-184C>T (NM_001349869.2); c.1209-184C>T (NM_001349867.2); c.1743-184C>T (NM_001349864.2).
Identifiers: ClinVar variation 1265475 (VCV001265475.5), dbSNP rs11089863, ClinGen allele CA10230751.

ClinVar aggregate classification (germline): Benign. Review status: criteria provided, multiple submitters, no conflicts (2 of 4 stars). 3 submissions from 3 submitters: Benign (3). Last evaluated 2024-07-15.

Allele frequency attached by ClinVar (database versions not stated): 1000 Genomes Project 0.30012; 1000 Genomes Project 30x 0.30153; gnomAD 0.32517 and 0.32802; TOPMed 0.32551; gnomAD exomes 0.35869 and 0.36212; ExAC 0.38905.
gnomAD v4.1: 267,415 of 752,850 alleles (36%); highest among the groups gnomAD compares: South Asian, 42%; 49,369 homozygotes.

Submissions (3):

Unidad de Genómica Garrahan, Hospital de Pediatría Garrahan
Classification: Benign. Last evaluated: 2024-07-15. Review status: criteria provided, single submitter. Criteria: ACMG Guidelines, 2015. Collection method: clinical testing. Allele origin: germline. Affected: no. Observed: 54 variant alleles.
Comment: This variant is classified as Benign based on local population frequency. This variant was detected in 58% of patients studied in a panel designed for Epileptic and Developmental Encephalopathy and Progressive Myoclonus Epilepsy. Number of patients: 54. Only high quality variants are reported.

GeneDx
Classification: Benign. Last evaluated: 2018-07-27. Review status: criteria provided, single submitter. Criteria: GeneDx Variant Classification Process June 2021. Collection method: clinical testing. Allele origin: germline. Affected: yes.

Breakthrough Genomics
Classification: Benign. Review status: criteria provided, single submitter. Criteria: ACMG Guidelines, 2015. Collection method: not provided. Allele origin: germline. Inheritance: Autosomal recessive inheritance. Affected: yes.